The following is an entry in ClinVar:

NM_005476.7(GNE):c.1112del (p.Ile370_Leu371insTer)

Gene: GNE (glucosamine (UDP-N-acetyl)-2-epimerase/N-acetylmannosamine kinase; minus strand). Cytogenetic location: 9p13.3.
Variant type: Deletion.
Coding change: c.1112del on transcript NM_005476.7 (MANE Select); coding-DNA position 1112, one base deleted (T; older notation c.1112delT).
Protein change: p.Ile370_Leu371insTer.
Molecular consequence: nonsense.
Genome position (GRCh38, 1-based): chr9:36,227,417, A deleted on the plus strand (T on the coding strand, the reverse complement: GNE is on the minus strand); the first of 4 consecutive A bases (chr9:36,227,417-36,227,420); deleting any one gives the same sequence. VCF-style (leftmost placement, unchanged base first): chr9-36227416-CA-C. GRCh37 (hg19) VCF-style: chr9-36227413-CA-C.
Other names: c.1205del, p.Ile401_Leu402insTer (NM_001128227.3); c.1112del, p.Ile370_Leu371insTer (NM_001190383.3); c.782del, p.Ile260_Leu261insTer (NM_001190384.3); c.935del, p.Ile311_Leu312insTer (NM_001190388.2, NM_001374798.1); c.959del, p.Ile319_Leu320insTer (NM_001374797.1).
Identifiers: ClinVar variation 1412885 (VCV001412885.6), dbSNP rs2133042191, ClinGen allele CA2573144543.

ClinVar aggregate classification (germline): Pathogenic (1 of 4 stars; one submission).

Conditions:
GNE myopathy (NM). Also called: NONAKA DISTAL MYOPATHY; IBM 2; Inclusion body myopathy autosomal recessive; Inclusion body myopathy quadriceps sparing; INCLUSION BODY MYOPATHY, HEREDITARY, AUTOSOMAL RECESSIVE; INCLUSION BODY MYOPATHY 2, AUTOSOMAL RECESSIVE. Identifiers: Orphanet 602, MedGen C1853926, MONDO:0011603, OMIM 605820.
Sialuria. Also called: SIALURIA, FRENCH TYPE; Sialic Acid Storage Disease. Identifiers: Orphanet 3166, MedGen C0342853, MONDO:0010028, OMIM 269921.

Submission:

Labcorp Genetics (formerly Invitae), Labcorp
Classification: Pathogenic for Sialuria; GNE myopathy. Last evaluated: 2021-10-23. Review status: criteria provided, single submitter. Criteria: Invitae Variant Classification Sherloc (09022015). Collection method: clinical testing. Allele origin: germline.
Comment: For these reasons, this variant has been classified as Pathogenic. This variant has not been reported in the literature in individuals affected with GNE-related conditions. This variant is not present in population databases (ExAC no frequency). This sequence change creates a premature translational stop signal (p.Leu402*) in the GNE gene. It is expected to result in an absent or disrupted protein product. Loss-of-function variants in GNE are known to be pathogenic (PMID: 24027297).

Literature cited by the submitters: PubMed 24027297.